The following is an entry in ClinVar:

NM_177438.3(DICER1):c.5125G>T (p.Asp1709Tyr)

Gene: DICER1 (dicer 1, ribonuclease III; minus strand). Cytogenetic location: 14q32.13.
Variant type: single nucleotide variant.
Coding change: c.5125G>T on transcript NM_177438.3 (MANE Select); coding-DNA position 5125, G replaced by T.
Protein change: p.Asp1709Tyr; replaces aspartic acid 1709 with tyrosine.
Molecular consequence: missense variant.
Genome position (GRCh38, 1-based): chr14:95,094,127, C>A on the plus strand (G>T on the coding strand, the complement: DICER1 is on the minus strand). VCF-style: chr14-95094127-C-A. GRCh37 (hg19) VCF-style: chr14-95560464-C-A.
Other names: c.5125G>T, p.Asp1709Tyr (NM_001195573.1, NM_001271282.3, NM_001291628.2 and 1 more transcripts); short protein forms D1709Y.
Identifiers: ClinVar variation 932994 (VCV000932994.4), dbSNP rs1595331264, ClinGen allele CA390865394.
Genomic context (GRCh38, chr14:95,094,127, plus strand): 5'-GGGAGTGCTGCCGCGGGTCTTCATAAAGGTGCTTGGTTATGAGGTAGTCCAAAATCGCAT[C>A]TCCCAGGAATTCTAAGCGCTGGTAACAATCTGAGGGGATCCGAAGTGGAACCGTAAGCTT-3'
Protein context (NP_803187.1, residues 1699-1719): DCYQRLEFLG[Asp1709Tyr]AILDYLITKH

ClinVar aggregate classification (germline): Pathogenic. Review status: criteria provided, single submitter (1 of 4 stars). 2 submissions from 2 submitters: Pathogenic (1). 1 of the submissions does not count toward it. Last evaluated 2019-07-01.

Conditions:
DICER1-related tumor predisposition. Also called: DICER1-related pleuropulmonary blastoma cancer predisposition syndrome; DICER1 syndrome. Identifiers: Orphanet 284343, MedGen C3839822, MONDO:0100216.
Global developmental delay - lung cysts - overgrowth - Wilms tumor syndrome. Also called: GLOW Syndrome; GLOBAL DEVELOPMENTAL DELAY, LUNG CYSTS, OVERGROWTH, AND WILMS TUMOR. Identifiers: Orphanet 404476, MedGen C4748924, MONDO:0018445, OMIM 618272.

Submissions (2):

Foulkes Cancer Genetics LDI, Lady Davis Institute for Medical Research
Classification: Pathogenic for Pleuropulmonary blastoma. Last evaluated: 2019-07-01. Review status: criteria provided, single submitter. Criteria: ACMG Guidelines, 2015. Collection method: curation. Allele origin: de novo, somatic. Affected: yes. Observed: 2 variant alleles.
Comment: ACMG criteria met: PS2, PS3, PM1, PM2, PP4

OMIM
Classification: Pathogenic for GLOW SYNDROME. Last evaluated: 2019-01-08. Review status: no assertion criteria provided. Collection method: literature only. Allele origin: unknown. Not counted in ClinVar's aggregate classification.

Literature cited by the submitters: PubMed 24676357 (cited by Foulkes Cancer Genetics LDI, Lady Davis Institute for Medical Research and OMIM); PubMed 24839956 (cited by Foulkes Cancer Genetics LDI, Lady Davis Institute for Medical Research); Hamosh, A. Personal Communication. 2018. Baltimore, Md. (cited by OMIM).